The following is an entry in ClinVar:

NM_001377458.1(CLCC1):c.1519G>C (p.Glu507Gln)

Gene: CLCC1 (chloride channel CLIC like 1; minus strand). Cytogenetic location: 1p13.3.
Variant type: single nucleotide variant.
Coding change: c.1519G>C on transcript NM_001377458.1 (MANE Select); coding-DNA position 1519, G replaced by C.
Protein change: p.Glu507Gln; replaces glutamic acid 507 with glutamine.
Molecular consequence: missense variant. On other transcripts: non-coding transcript variant (1).
Genome position (GRCh38, 1-based): chr1:108,934,807, C>G on the plus strand (G>C on the coding strand, the complement: CLCC1 is on the minus strand). VCF-style: chr1-108934807-C-G. GRCh37 (hg19) VCF-style: chr1-109477429-C-G.
Other names: c.1519G>C, p.Glu507Gln (NM_001048210.3, NM_001377459.1, NM_001377460.1 and 8 more transcripts); c.1156G>C, p.Glu386Gln (NM_001278202.2); c.964G>C, p.Glu322Gln (NM_001278203.1); c.1417G>C, p.Glu473Gln (NM_001377469.1); c.1228G>C, p.Glu410Gln (NM_001377470.1); c.1369G>C, p.Glu457Gln (NM_015127.5); c.1519G>C (NM_001048210.1); short protein forms E410Q, E507Q, E322Q, E386Q, E457Q, E473Q.
Identifiers: ClinVar variation 858845 (VCV000858845.9), dbSNP rs148733505, ClinGen allele CA983309.

ClinVar aggregate classification (germline): Uncertain significance. Review status: criteria provided, multiple submitters, no conflicts (2 of 4 stars). 2 submissions from 2 submitters: Uncertain significance (2). Last evaluated 2024-06-17.

Conditions:
Retinitis pigmentosa 32 (RP32). Identifiers: Orphanet 791, MedGen C1835927, MONDO:0012363, OMIM 609913.

Allele frequency attached by ClinVar (database versions not stated): ESP Exome Variant Server 0.00023; gnomAD 0.00025 and 0.00028; gnomAD exomes 0.00017 and 0.00035; TOPMed 0.00055; ExAC 0.00015; 1000 Genomes Project 0.00020; 1000 Genomes Project 30x 0.00031.

Submissions (2):

Ambry Genetics
Classification: Uncertain significance. Last evaluated: 2024-06-17. Review status: criteria provided, single submitter. Criteria: Ambry Variant Classification Scheme 2023. Collection method: clinical testing. Allele origin: germline.

Labcorp Genetics (formerly Invitae), Labcorp
Classification: Uncertain significance. Last evaluated: 2023-10-03. Review status: criteria provided, single submitter. Criteria: Invitae Variant Classification Sherloc (09022015). Collection method: clinical testing. Allele origin: germline.
Comment: This sequence change replaces glutamic acid, which is acidic and polar, with glutamine, which is neutral and polar, at codon 507 of the CLCC1 protein (p.Glu507Gln). This variant is present in population databases (rs148733505, gnomAD 0.03%). This variant has not been reported in the literature in individuals affected with CLCC1-related conditions. ClinVar contains an entry for this variant (Variation ID: 858845). An algorithm developed to predict the effect of missense changes on protein structure and function (PolyPhen-2) suggests that this variant is likely to be disruptive. In summary, the available evidence is currently insufficient to determine the role of this variant in disease. Therefore, it has been classified as a Variant of Uncertain Significance.